The following is an entry in ClinVar:

NM_014112.5(TRPS1):c.1408_1409del (p.Lys470fs)

Gene: TRPS1 (transcriptional repressor GATA binding 1; minus strand). Cytogenetic location: 8q23.3.
Variant type: Deletion.
Coding change: c.1408_1409del on transcript NM_014112.5 (MANE Select); coding-DNA positions 1408 to 1409, 2 bases deleted (AA; older notation c.1408_1409delAA).
Protein change: p.Lys470fs; shifts the reading frame from lysine 470.
Molecular consequence: frameshift variant.
Genome position (GRCh38, 1-based): chr8:115,604,560-115,604,561, TT deleted on the plus strand (AA on the coding strand, the reverse complement: TRPS1 is on the minus strand). VCF-style (leftmost placement, unchanged base first): chr8-115604559-CTT-C. GRCh37 (hg19) VCF-style: chr8-116616786-CTT-C.
Other names: c.1381_1382del, p.Lys461fs (NM_001282902.3); c.1387_1388del, p.Lys463fs (NM_001282903.3); c.1369_1370del, p.Lys457fs (NM_001330599.2); short protein forms K457fs, K461fs, K470fs, K463fs.
Identifiers: ClinVar variation 2921485 (VCV002921485.3), dbSNP rs2536890739, ClinGen allele CA2740095127.

ClinVar aggregate classification (germline): Pathogenic (1 of 4 stars; one submission).

Conditions:
Trichorhinophalangeal dysplasia type I (TRPS1). Also called: TRICHORHINOPHALANGEAL SYNDROME, TYPE I; TRPS I. Identifiers: Orphanet 77258, MedGen C0432233, MONDO:0008596, OMIM 190350.
Trichorhinophalangeal syndrome, type III (TRPS3). Also called: SUGIO-KAJII SYNDROME. Identifiers: Orphanet 77258, MedGen C1860823, OMIM 190351, MONDO:0008597.

Submission:

Labcorp Genetics (formerly Invitae), Labcorp
Classification: Pathogenic for Trichorhinophalangeal syndrome, type III; Trichorhinophalangeal dysplasia type I. Last evaluated: 2024-01-08. Review status: criteria provided, single submitter. Criteria: Invitae Variant Classification Sherloc (09022015). Collection method: clinical testing. Allele origin: germline.
Comment: This sequence change creates a premature translational stop signal (p.Lys470Alafs*11) in the TRPS1 gene. It is expected to result in an absent or disrupted protein product. Loss-of-function variants in TRPS1 are known to be pathogenic (PMID: 11112658). This variant is not present in population databases (gnomAD no frequency). This variant has not been reported in the literature in individuals affected with TRPS1-related conditions. For these reasons, this variant has been classified as Pathogenic.

Literature cited by the submitters: PubMed 11112658.